The following is an entry in ClinVar:

ClinVar aggregate classification (germline): Uncertain significance (1 of 4 stars; one submission).

Conditions:
Duchenne muscular dystrophy (DMD). Also called: MUSCULAR DYSTROPHY, PSEUDOHYPERTROPHIC PROGRESSIVE, DUCHENNE TYPE; Duchenne Muscular Dystrophy (DMD). Identifiers: Orphanet 98896, MedGen C0013264, MONDO:0010679, OMIM 310200.

Submission:

Labcorp Genetics (formerly Invitae), Labcorp
Classification: Uncertain significance for Duchenne muscular dystrophy. Last evaluated: 2022-07-29. Review status: criteria provided, single submitter. Criteria: Invitae Variant Classification Sherloc (09022015). Collection method: clinical testing. Allele origin: germline.
Comment: This sequence change replaces arginine, which is basic and polar, with threonine, which is neutral and polar, at codon 447 of the DMD protein (p.Arg447Thr). This variant is not present in population databases (gnomAD no frequency). This variant has not been reported in the literature in individuals affected with DMD-related conditions. Algorithms developed to predict the effect of missense changes on protein structure and function (SIFT, PolyPhen-2, Align-GVGD) all suggest that this variant is likely to be tolerated. In summary, the available evidence is currently insufficient to determine the role of this variant in disease. Therefore, it has been classified as a Variant of Uncertain Significance.

NM_004006.3(DMD):c.1340G>C (p.Arg447Thr)

Gene: DMD (dystrophin; minus strand). Cytogenetic location: Xp21.1.
Variant type: single nucleotide variant.
Coding change: c.1340G>C on transcript NM_004006.3 (MANE Select); coding-DNA position 1340, G replaced by C.
Protein change: p.Arg447Thr; replaces arginine 447 with threonine.
Molecular consequence: missense variant.
Genome position (GRCh38, 1-based): chrX:32,614,445, C>G on the plus strand (G>C on the coding strand, the complement: DMD is on the minus strand). VCF-style: chrX-32614445-C-G. GRCh37 (hg19) VCF-style: chrX-32632562-C-G.
Other names: c.1316G>C, p.Arg439Thr (NM_000109.4); c.1328G>C, p.Arg443Thr (NM_004009.3); c.971G>C, p.Arg324Thr (NM_004010.3); short protein forms R324T, R447T, R443T, R439T.
Identifiers: ClinVar variation 1934685 (VCV001934685.5), dbSNP rs766841315, ClinGen allele CA412670510.